The following is an entry in ClinVar:

NM_005477.3(HCN4):c.1242C>T (p.Ala414=)

Gene: HCN4 (hyperpolarization activated cyclic nucleotide gated potassium channel 4; minus strand). Cytogenetic location: 15q24.1.
Variant type: single nucleotide variant.
Coding change: c.1242C>T on transcript NM_005477.3 (MANE Select); coding-DNA position 1242, C replaced by T.
Protein change: p.Ala414=; no amino-acid change (alanine 414 retained).
Molecular consequence: synonymous variant.
Genome position (GRCh38, 1-based): chr15:73,332,260, G>A on the plus strand (C>T on the coding strand, the complement: HCN4 is on the minus strand). VCF-style: chr15-73332260-G-A. GRCh37 (hg19) VCF-style: chr15-73624601-G-A.
Identifiers: ClinVar variation 470645 (VCV000470645.14), dbSNP rs376218786, ClinGen allele CA7649339.

ClinVar aggregate classification (germline): Likely benign. Review status: criteria provided, multiple submitters, no conflicts (2 of 4 stars). 4 submissions from 4 submitters: Likely benign (4). Last evaluated 2026-09-21.

Conditions:
Brugada syndrome 8 (BRGDA8). Identifiers: Orphanet 130, MedGen C2751083, MONDO:0013148, OMIM 613123.
Cardiovascular phenotype. Identifiers: MedGen CN230736.

Allele frequency attached by ClinVar (database versions not stated): gnomAD exomes 0.00002 and 0.00003; ESP Exome Variant Server 0.00008; TOPMed 0.00003; gnomAD 0.00005; ExAC 0.00003.
gnomAD v4.1: 31 of 1,614,114 alleles (0.0019%); highest among the groups gnomAD compares: East Asian, 0.0045%; no homozygotes.

Submissions (4):

Molecular Diagnostic Laboratory for Inherited Cardiovascular Disease, Montreal Heart Institute
Classification: Likely benign. Last evaluated: 2026-09-21. Review status: criteria provided, single submitter. Criteria: ACMG Guidelines, 2015. Collection method: clinical testing. Allele origin: germline. Affected: no.
Comment: BP7

Labcorp Genetics (formerly Invitae), Labcorp
Classification: Likely benign for Brugada syndrome 8. Last evaluated: 2026-02-03. Review status: criteria provided, single submitter. Criteria: Invitae Variant Classification Sherloc (09022015). Collection method: clinical testing. Allele origin: germline.

Ambry Genetics
Classification: Likely benign for Cardiovascular phenotype. Last evaluated: 2020-05-29. Review status: criteria provided, single submitter. Criteria: Ambry Variant Classification Scheme 2023. Collection method: clinical testing. Allele origin: germline.

GeneDx
Classification: Likely benign. Last evaluated: 2018-04-06. Review status: criteria provided, single submitter. Criteria: GeneDx Variant Classification (06012015). Collection method: clinical testing. Allele origin: germline. Affected: yes.
Comment: This variant is associated with the following publications: (PMID: 23623143)

Literature cited by the submitters: PubMed 23623143 (cited by Ambry Genetics).